The following is an entry in ClinVar:

NM_000094.4(COL7A1):c.3786+3G>A

Gene: COL7A1 (collagen type VII alpha 1 chain; minus strand). Cytogenetic location: 3p21.31.
Variant type: single nucleotide variant.
Coding change: c.3786+3G>A on transcript NM_000094.4 (MANE Select); 3 bases into the intron after coding-DNA position 3786, G replaced by A.
Molecular consequence: intron variant.
Genome position (GRCh38, 1-based): chr3:48,585,827, C>T on the plus strand (G>A on the coding strand, the complement: COL7A1 is on the minus strand). VCF-style: chr3-48585827-C-T. GRCh37 (hg19) VCF-style: chr3-48623260-C-T.
Identifiers: ClinVar variation 1510414 (VCV001510414.6), dbSNP rs2107744113, ClinGen allele CA2573137295.
Genomic context (GRCh38, chr3:48,585,827, plus strand): 5'-CAACCTCTCCTGCCCCACTGACACTCAACCCATTCTCTATTCCCCGCCCGCAGGGGCACT[C>T]ACCATCTCTCCAGGTTCCCCCTTCTGGCCCTGGGGAAAGACATGTCAGATGTGGGTCAGA-3'

ClinVar aggregate classification (germline): Uncertain significance (1 of 4 stars; one submission).

Allele frequency attached by ClinVar (database versions not stated): gnomAD exomes 0.00001.
gnomAD v4.1: 4 of 1,614,132 alleles (0.00025%); highest among the groups gnomAD compares: East Asian, 0.0089%; no homozygotes.

Submission:

Labcorp Genetics (formerly Invitae), Labcorp
Classification: Uncertain significance. Last evaluated: 2024-10-08. Review status: criteria provided, single submitter. Criteria: Invitae Variant Classification Sherloc (09022015). Collection method: clinical testing. Allele origin: germline.
Comment: This sequence change falls in intron 29 of the COL7A1 gene. It does not directly change the encoded amino acid sequence of the COL7A1 protein. It affects a nucleotide within the consensus splice site. This variant is not present in population databases (gnomAD no frequency). This variant has not been reported in the literature in individuals affected with COL7A1-related conditions. ClinVar contains an entry for this variant (Variation ID: 1510414). Variants that disrupt the consensus splice site are a relatively common cause of aberrant splicing (PMID: 17576681, 9536098). Algorithms developed to predict the effect of sequence changes on RNA splicing suggest that this variant is not likely to affect RNA splicing. In summary, the available evidence is currently insufficient to determine the role of this variant in disease. Therefore, it has been classified as a Variant of Uncertain Significance.

Literature cited by the submitters: PubMed 17576681; PubMed 9536098.